The following is an entry in ClinVar:

NM_000203.5(IDUA):c.265C>T (p.Arg89Trp)

Genes: IDUA (alpha-L-iduronidase; plus strand), SLC26A1 (solute carrier family 26 member 1; minus strand). Cytogenetic location: 4p16.3.
Variant type: single nucleotide variant.
Coding change: c.265C>T on transcript NM_000203.5 (MANE Select); coding-DNA position 265, C replaced by T.
Protein change: p.Arg89Trp; replaces arginine 89 with tryptophan.
Molecular consequence: missense variant. On other transcripts: intron variant (1), 3 prime UTR variant (2), non-coding transcript variant (1).
Genome position (GRCh38, 1-based): chr4:987,915, C>T. VCF-style: chr4-987915-C-T. GRCh37 (hg19) VCF-style: chr4-981703-C-T.
Other names: NM_000203.5(IDUA):c.265C>T; p.Arg89Trp; c.576+3213G>A (NM_134425.4); c.*918G>A (NM_022042.4, NM_213613.4); short protein forms R89W.
Identifiers: ClinVar variation 580286 (VCV000580286.25), dbSNP rs754966840, ClinGen allele CA2801156.

ClinVar aggregate classification (germline): Pathogenic. Review status: reviewed by expert panel (3 of 4 stars). 7 submissions from 7 submitters: Pathogenic (1). 6 of the submissions do not count toward it. Last evaluated 2026-09-21.

Conditions:
Mucopolysaccharidosis type 1. Also called: IDUA deficiency; MPS I; Mucopolysaccharidosis Type I. Identifiers: Orphanet 579, MedGen C0023786, MONDO:0001586.
Mucopolysaccharidosis, MPS-I-S. Also called: MPS V; MUCOPOLYSACCHARIDOSIS TYPE V; MUCOPOLYSACCHARIDOSIS TYPE IS; Scheie Syndrome. Identifiers: Orphanet 93474, MedGen C0026708, MONDO:0011760, OMIM 607016.
Hurler syndrome. Also called: MUCOPOLYSACCHARIDOSIS TYPE IH; Severe MPS I (Hurler Syndrome); Gargoylism, Hurler Syndrome. Identifiers: Orphanet 93473, MedGen C0086795, MONDO:0011758, OMIM 607014.
Mucopolysaccharidosis, MPS-I-H/S. Also called: Mucopolysaccharidosis type IH/S. Identifiers: Orphanet 93476, MedGen C0086431, MONDO:0011759, OMIM 607015.

Allele frequency attached by ClinVar (database versions not stated): TOPMed below 0.00001; gnomAD exomes 0.00001; ExAC 0.00002.
gnomAD v4.1: 15 of 1,602,492 alleles (0.00094%); highest among the groups gnomAD compares: South Asian, 0.0034%; no homozygotes.

Submissions (7):

ClinGen Lysosomal Storage Disorder Variant Curation Expert Panel
Classification: Pathogenic for Mucopolysaccharidosis type 1. Last evaluated: 2026-09-21. Review status: reviewed by expert panel. Criteria: ClinGen LSD ACMG Specifications IDUA V1.2.0. Collection method: curation. Allele origin: germline. Inheritance: Autosomal recessive inheritance.
Comment: The NM_000203.5:c.265C>T variant in IDUA is a missense variant predicted to cause substitution of arginine by tryptophan at amino acid 89 (p.Arg89Trp). At least 9 probands have been reported with the variant. Of those individuals, one is homozygous for this variant (PMID: 31194252, 0.5 points) and at least 8 individual’s are compound heterozygous for this variant and a second variant that has been classified as pathogenic or likely pathogenic by the ClinGen Lysosomal Diseases VCEP including c.152G>C p.(Gly51Asp) (PMID 31194252, 21394825; at least 1 patient, phase unconfirmed 0.5 points), c.1598C>G p.(Pro533Arg) (PMID 14559116, 1 patient, phase unconfirmed, 0.5 points), c.1205G>A p.(Trp402Ter) (PMID 31194252, 31304092, 28752568, at least 2 patients, phase unconfirmed 2x0.5 points), ), c.1487C>G p.(Pro496Arg) (PMID 21394825, 1 patient, phase unconfirmed 0.25 points), c.208C>T p.(Gln70Ter) (PMID 14559116, 7550242 2 patients, phase unconfirmed, 2 x 0.5 point), c.979G>C p.(Ala327Pro) (PMID 31194252, phase unconfirmed, 0.25 points) (4 points, PM3_very strong). The allelic data for this patient will be used to support the classification of c.1154C>T and is not included here in order to avoid circular logic (PMID 27896125). This patient has a clinical diagnosis of Hurler-Scheie (confirmed biochemically), presenting with clinical features specific to MPSI including coarse facial features, visual impairment, respiratory disease, hernias, joint disease, bone disease, short stature and receives enzyme replacement therapy (PMID 27896125, PP4_moderate). The highest population minor allele frequency in gnomAD v4.1.0 is 0.000048 (3/62070 alleles) in the ‘remaining’ population, which is lower than the ClinGen Lysosomal Diseases VCEP’s threshold for PM2_Supporting (<0.00025), meeting this criterion (PM2_Supporting). This variant alters amino acid Arg89, a residue that has been shown to be important in the active site pocket and substrate binding in IDUA, and therefore has been defined as a critical residue by the ClinGen Lysosomal Diseases VCEP (PMID: 14559116;15862278) (PM1). When expressed in CHO cells, the variant results in approximately 10% WT activity and either normal or higher-than-normal levels of protein, demonstrating a tendency for this variant to alter enzyme activity but not protein structure/stability (PMID 14559116). Another missense variant, c.266G>A, p.Arg89Gln. (PMIDS 8213840, 8664897, 2148086; ClinVar Variation ID 11922) in the same codon has been classified as pathogenic for MPS I by the ClinGen Lysosomal Diseases VCEP (PM5 not applied to avoid overcounting). The computational predictor REVEL gives a score of 0.89 which is above the threshold of 0.773, evidence that correlates with impact to IDUA function at the moderate level based on the specifications of the ClinGen Lysosomal Diseases VCEP (PMID: 36413997) (PP3_Moderate). There is a ClinVar entry for this variant (Variation ID: 580286 , 2 star review status) with 5 submitters classifying the variant as pathogenic. In summary, this variant meets the criteria to be classified as pathogenic for MPS I based on the ACMG/AMP criteria applied, as specified by the ClinGen Lysosomal Diseases Variant Curation Expert Panel (Specifications Version 1.2.0): PM3_very strong, PP4_moderate, PM2_supporting, PM1, PP3_moderate. (Classification approved by the ClinGen Lysosomal Diseases Variant Curation Expert Panel on September 21, 2026)

Natera, Inc.
Classification: Pathogenic for Mucopolysaccharidosis type I. Last evaluated: 2026-01-05. Review status: criteria provided, single submitter. Criteria: Natera Variant Classification Schema (03/2026). Collection method: clinical testing. Allele origin: germline. Not counted in ClinVar's aggregate classification.
Comment: The c.265C>T variant in IDUA is a missense variant predicted to cause substitution of arginine to tryptophan at amino acid 89. This variant is rare in the general population with a frequency below the threshold expected for the associated phenotype(s). This variant has been observed in one or more individuals affected with the associated recessive disease, as either homozygous or compound heterozygous with a second variant (PMID: 28752568, 21394825). A different variant at the same position has been determined to be Pathogenic or Likely Pathogenic. Computational prediction algorithms indicate this variant is likely to affect gene or protein function. Given the available evidence, this variant is classified as Pathogenic.

Labcorp Genetics (formerly Invitae), Labcorp
Classification: Pathogenic for Mucopolysaccharidosis type 1. Last evaluated: 2025-03-31. Review status: criteria provided, single submitter. Criteria: Invitae Variant Classification Sherloc (09022015). Collection method: clinical testing. Allele origin: germline. Not counted in ClinVar's aggregate classification.
Comment: This sequence change replaces arginine, which is basic and polar, with tryptophan, which is neutral and slightly polar, at codon 89 of the IDUA protein (p.Arg89Trp). This variant is present in population databases (rs754966840, gnomAD 0.007%). This missense change has been observed in individuals with MPS I (PMID: 7550242, 14559116, 21394825, 22306676, 24368159, 27896125). ClinVar contains an entry for this variant (Variation ID: 580286). Invitae Evidence Modeling of protein sequence and biophysical properties (such as structural, functional, and spatial information, amino acid conservation, physicochemical variation, residue mobility, and thermodynamic stability) indicates that this missense variant is expected to disrupt IDUA protein function with a positive predictive value of 95%. Experimental studies have shown that this missense change affects IDUA function (PMID: 14559116). This variant disrupts the p.Arg89 amino acid residue in IDUA. Other variant(s) that disrupt this residue have been determined to be pathogenic (PMID: 8664897, 12559846, 14559116). This suggests that this residue is clinically significant, and that variants that disrupt this residue are likely to be disease-causing. For these reasons, this variant has been classified as Pathogenic.

Fulgent Genetics
Classification: Pathogenic for Hurler syndrome; Mucopolysaccharidosis, MPS-I-H/S; Mucopolysaccharidosis, MPS-I-S. Last evaluated: 2024-03-22. Review status: criteria provided, single submitter. Criteria: ACMG Guidelines, 2015. Collection method: clinical testing. Allele origin: germline. Not counted in ClinVar's aggregate classification.

Revvity Omics, Revvity
Classification: Pathogenic. Last evaluated: 2021-12-02. Review status: criteria provided, single submitter. Criteria: ACMG Guidelines, 2015. Collection method: clinical testing. Allele origin: germline. Not counted in ClinVar's aggregate classification.

Women's Health and Genetics/Laboratory Corporation of America, LabCorp
Classification: Pathogenic for Mucopolysaccharidosis type 1. Last evaluated: 2019-04-30. Review status: criteria provided, single submitter. Criteria: LabCorp Variant Classification Summary - May 2015. Collection method: clinical testing. Allele origin: germline. Not counted in ClinVar's aggregate classification.
Comment: Variant summary: IDUA c.265C>T (p.Arg89Trp) results in a non-conservative amino acid change in the encoded protein sequence. Five of five in-silico tools predict a damaging effect of the variant on protein function. The variant allele was found at a frequency of 1.4e-05 in 221338 control chromosomes (gnomAD and publication data) and has been reported in the literature in multiple individuals affected with Mucopolysaccharidosis Type 1 (e.g. Bunge_1995, Bertola_2011, Ahmed_2014, Pineda 2014) and most of the cases presented with an attenuated- (Scheie syndrome) or intermediate phenotype (Hurler-Scheie syndrome). These data indicate that the variant is very likely to be associated with disease. Functional characterization demonstrated the variant protein was present in a similar- or increased amount in cell lines from patients compared to controls, but had a severely reduced enzymatic activity in both patient derived cell lines and transfected Chinese hamster ovary cells (Bunge_1998, Hein_2003); since some residual activity was preserved, it is consistent with the less severe clinical presentation of the reported patients (Hein_2003). One submitter has provided clinical-significance assessments for this variant to ClinVar after 2014 without evidence for independent evaluation, and classified the variant as pathogenic. Based on the evidence outlined above, the variant was classified as pathogenic.

Juno Genomics, Hangzhou Juno Genomics, Inc
Classification: Pathogenic for Hurler syndrome; Mucopolysaccharidosis, MPS-I-H/S; Mucopolysaccharidosis, MPS-I-S. Review status: criteria provided, single submitter. Criteria: ACMG Guidelines, 2015. Collection method: clinical testing. Allele origin: germline. Not counted in ClinVar's aggregate classification.
Comment: Absent from controls (or at extremely low frequency if recessive) in Genome Aggregation Database.;Well-established in vitro or in vivo functional studies supportive of a damaging effect on the gene or gene product.;For recessive disorders, detected in trans with a pathogenic variant.;Novel missense change at an amino acid residue where a different missense change determined to be pathogenic has been seen before.

Literature cited by the submitters: PubMed 28752568 (cited by Natera, Inc.); PubMed 21394825 (cited by 3 submitters); PubMed 7550242 (cited by Labcorp Genetics (formerly Invitae), Labcorp and Women's Health and Genetics/Laboratory Corporation of America, LabCorp); PubMed 14559116 (cited by Labcorp Genetics (formerly Invitae), Labcorp and Women's Health and Genetics/Laboratory Corporation of America, LabCorp); PubMed 22306676 (cited by Labcorp Genetics (formerly Invitae), Labcorp); PubMed 24368159 (cited by Labcorp Genetics (formerly Invitae), Labcorp and Women's Health and Genetics/Laboratory Corporation of America, LabCorp); PubMed 27896125 (cited by Labcorp Genetics (formerly Invitae), Labcorp and Women's Health and Genetics/Laboratory Corporation of America, LabCorp); PubMed 8664897 (cited by Labcorp Genetics (formerly Invitae), Labcorp); PubMed 12559846 (cited by Labcorp Genetics (formerly Invitae), Labcorp); PubMed 9748610 (cited by Women's Health and Genetics/Laboratory Corporation of America, LabCorp).